The following is an entry in ClinVar:

ClinVar aggregate classification (germline): Likely benign. Review status: criteria provided, multiple submitters, no conflicts (2 of 4 stars). 2 submissions from 2 submitters: Likely benign (2). Last evaluated 2025-12-10.

Conditions:
COL18A1-related disorder. Also called: COL18A1-related condition; COL18A1-related disorders.

gnomAD v4.1: 97 of 1,547,944 alleles (0.0063%); highest among the groups gnomAD compares: African/African-American, 0.12%; 2 homozygotes.

Submissions (2):

PreventionGenetics, part of Exact Sciences
Classification: Likely benign for COL18A1-related condition. Last evaluated: 2025-12-10. Review status: criteria provided, single submitter. Criteria: ACMG Guidelines, 2015. Collection method: clinical testing. Allele origin: germline.
Comment: This variant is classified as likely benign based on ACMG/AMP sequence variant interpretation guidelines (Richards et al. 2015 PMID: 25741868, with internal and published modifications).

Blueprint Genetics
Classification: Likely benign. Last evaluated: 2023-06-20. Review status: criteria provided, single submitter. Criteria: ACMG Guidelines, 2015. Collection method: clinical testing. Allele origin: germline.

NM_001379500.1(COL18A1):c.107-11713C>T

Gene: COL18A1 (collagen type XVIII alpha 1 chain; plus strand). Cytogenetic location: 21q22.3.
Variant type: single nucleotide variant.
Coding change: c.107-11713C>T on transcript NM_001379500.1 (MANE Select); 11713 bases into the intron before coding-DNA position 107, C replaced by T.
Molecular consequence: intron variant. On other transcripts: synonymous variant (1).
Genome position (GRCh38, 1-based): chr21:45,456,529, C>T. VCF-style: chr21-45456529-C-T. GRCh37 (hg19) VCF-style: chr21-46876443-C-T.
Other names: c.999C>T, p.Arg333= (NM_130444.3); c.646+353C>T (NM_030582.4); c.999C>T (NM_130444.2).
Identifiers: ClinVar variation 4946575 (VCV004946575.2).